The following is an entry in ClinVar:

NM_000733.4(CD3E):c.85+44G>A

Gene: CD3E (CD3 epsilon subunit of T-cell receptor complex; plus strand). Cytogenetic location: 11q23.3.
Variant type: single nucleotide variant.
Coding change: c.85+44G>A on transcript NM_000733.4 (MANE Select); 44 bases into the intron after coding-DNA position 85, G replaced by A.
Molecular consequence: intron variant.
Genome position (GRCh38, 1-based): chr11:118,308,485, G>A. VCF-style: chr11-118308485-G-A. GRCh37 (hg19) VCF-style: chr11-118179200-G-A.
Identifiers: ClinVar variation 1291552 (VCV001291552.5), dbSNP rs1599809, ClinGen allele CA6301598.
Genomic context (GRCh38, chr11:118,308,485, plus strand): 5'-AGGTAATGAAGAAATGGGTAAGAAGATTTCCACTCTATCTAGCAAAAGTTTTCAAATATG[G>A]AATGAAATGCTCATAGAGTACAATCACAGTAACAAACCCTGAGAACTAAAACTATTAAAG-3'

ClinVar aggregate classification (germline): Benign. Review status: criteria provided, multiple submitters, no conflicts (2 of 4 stars). 3 submissions from 3 submitters: Benign (3). Last evaluated 2023-11-12.

Allele frequency attached by ClinVar (database versions not stated): gnomAD 0.31300 and 0.31930; TOPMed 0.31415; ESP Exome Variant Server 0.31890; 1000 Genomes Project 30x 0.36977; 1000 Genomes Project 0.37819.

Submissions (3):

Unidad de Genómica Garrahan, Hospital de Pediatría Garrahan
Classification: Benign. Last evaluated: 2023-11-12. Review status: criteria provided, single submitter. Criteria: ACMG Guidelines, 2015. Collection method: clinical testing. Allele origin: germline. Affected: no. Observed: 46 variant alleles.
Comment: This variant is classified as Benign based on local population frequency. This variant was detected in 48% of patients studied by a panel of primary immunodeficiencies. Number of patients: 46. Only high quality variants are reported.

GeneDx
Classification: Benign. Last evaluated: 2018-06-23. Review status: criteria provided, single submitter. Criteria: GeneDx Variant Classification Process June 2021. Collection method: clinical testing. Allele origin: germline. Affected: yes.

Breakthrough Genomics
Classification: Benign. Review status: criteria provided, single submitter. Criteria: ACMG Guidelines, 2015. Collection method: not provided. Allele origin: germline. Inheritance: Autosomal recessive inheritance. Affected: yes.